The following is an entry in ClinVar:

NM_000474.4(TWIST1):c.196C>A (p.Pro66Thr)

Gene: TWIST1 (twist family bHLH transcription factor 1; minus strand). Cytogenetic location: 7p21.1.
Variant type: single nucleotide variant.
Coding change: c.196C>A on transcript NM_000474.4 (MANE Select); coding-DNA position 196, C replaced by A.
Protein change: p.Pro66Thr; replaces proline 66 with threonine.
Molecular consequence: missense variant. On other transcripts: non-coding transcript variant (1).
Genome position (GRCh38, 1-based): chr7:19,117,126, G>T on the plus strand (C>A on the coding strand, the complement: TWIST1 is on the minus strand). VCF-style: chr7-19117126-G-T. GRCh37 (hg19) VCF-style: chr7-19156749-G-T.
Other names: short protein forms P66T.
Identifiers: ClinVar variation 4083355 (VCV004083355.1).

ClinVar aggregate classification (germline): Uncertain significance (1 of 4 stars; one submission).

Submission:

GeneDx
Classification: Uncertain significance. Last evaluated: 2025-03-13. Review status: criteria provided, single submitter. Criteria: GeneDx Variant Classification Process June 2021. Collection method: clinical testing. Allele origin: germline. Affected: yes.
Comment: Has not been previously published as pathogenic or benign to our knowledge; Not observed at significant frequency in large population cohorts (gnomAD); In silico analysis indicates that this missense variant does not alter protein structure/function